The following is an entry in ClinVar:

NM_001164508.2(NEB):c.23668del (p.Ala7889_Ile7890insTer)

Genes: RIF1 (replication timing regulatory factor 1; plus strand), NEB (nebulin; minus strand). Cytogenetic location: 2q23.3.
Variant type: Deletion.
Coding change: c.23668del on transcript NM_001164508.2 (MANE Select); coding-DNA position 23668, one base deleted (A; older notation c.23668delA).
Protein change: p.Ala7889_Ile7890insTer.
Molecular consequence: nonsense. On other transcripts: frameshift variant (1).
Genome position (GRCh38, 1-based): chr2:151,505,552, T deleted on the plus strand (A on the coding strand, the reverse complement: NEB is on the minus strand); the first of 2 consecutive T bases (chr2:151,505,552-151,505,553); deleting either gives the same sequence. VCF-style (leftmost placement, unchanged base first): chr2-151505551-AT-A. GRCh37 (hg19) VCF-style: chr2-152362065-AT-A.
Other names: c.23668del, p.Ala7889_Ile7890insTer (NM_001164507.2); c.23772delA, p.Ile7925Terfs (NM_001271208.1); c.23773del, p.Ala7924_Ile7925insTer (NM_001271208.2); c.18565del, p.Ala6188_Ile6189insTer (NM_004543.5).
Identifiers: ClinVar variation 4814762 (VCV004814762.1).

ClinVar aggregate classification (germline): Likely pathogenic (1 of 4 stars; one submission).

Conditions:
Nemaline myopathy 2 (NEM2). Also called: Nemaline myopathy 2, autosomal recessive. Identifiers: MedGen C1850569, MONDO:0009725, OMIM 256030.

Submission:

Natera, Inc.
Classification: Likely pathogenic for Nemaline myopathy type 2. Last evaluated: 2024-12-19. Review status: criteria provided, single submitter. Criteria: Natera Variant Classification Schema (03/2026). Collection method: clinical testing. Allele origin: germline.
Comment: The c.23773del variant in NEB is a frameshift variant predicted to shift the reading frame and introduce a stop codon. This variant is expected to result in nonsense mediated decay, truncation, or a dysfunctional protein product. This variant is rare in the general population with a frequency below the threshold expected for the associated phenotype(s). Given the available evidence, this variant is classified as Likely Pathogenic.